The following is an entry in ClinVar:

NM_052859.4(RFT1):c.1560G>C (p.Glu520Asp)

Gene: RFT1 (RFT1 glycolipid translocator homolog; minus strand). Cytogenetic location: 3p21.1.
Variant type: single nucleotide variant.
Coding change: c.1560G>C on transcript NM_052859.4 (MANE Select); coding-DNA position 1560, G replaced by C.
Protein change: p.Glu520Asp; replaces glutamic acid 520 with aspartic acid.
Molecular consequence: missense variant.
Genome position (GRCh38, 1-based): chr3:53,091,969, C>G on the plus strand (G>C on the coding strand, the complement: RFT1 is on the minus strand). VCF-style: chr3-53091969-C-G. GRCh37 (hg19) VCF-style: chr3-53125985-C-G.
Other names: c.1560G>C (NM_052859.3); short protein forms E520D.
Identifiers: ClinVar variation 1518097 (VCV001518097.5), dbSNP rs369800703, ClinGen allele CA2451123.

ClinVar aggregate classification (germline): Uncertain significance. Review status: criteria provided, multiple submitters, no conflicts (2 of 4 stars). 3 submissions from 3 submitters: Uncertain significance (3). Last evaluated 2025-10-24.

Conditions:
Inborn genetic diseases. Identifiers: MedGen C0950123, MeSH D030342.
RFT1-congenital disorder of glycosylation (CDG1N). Also called: CDG In; RFT1-CDG; Congenital disorder of glycosylation type In. Identifiers: Orphanet 244310, MedGen C2677590, MONDO:0012783, OMIM 612015.

Allele frequency attached by ClinVar (database versions not stated): 1000 Genomes Project 30x 0.00078; 1000 Genomes Project 0.00080.
gnomAD v4.1: 69 of 1,614,270 alleles (0.0043%); highest among the groups gnomAD compares: South Asian, 0.075%; no homozygotes.

Submissions (3):

Ambry Genetics
Classification: Uncertain significance for Inborn genetic diseases. Last evaluated: 2025-10-24. Review status: criteria provided, single submitter. Criteria: Ambry Variant Classification Scheme 2023. Collection method: clinical testing. Allele origin: germline.

Blueprint Genetics
Classification: Uncertain significance. Last evaluated: 2024-09-05. Review status: criteria provided, single submitter. Criteria: ACMG Guidelines, 2015. Collection method: clinical testing. Allele origin: germline.

Labcorp Genetics (formerly Invitae), Labcorp
Classification: Uncertain significance for RFT1-congenital disorder of glycosylation. Last evaluated: 2022-09-15. Review status: criteria provided, single submitter. Criteria: Invitae Variant Classification Sherloc (09022015). Collection method: clinical testing. Allele origin: germline.
Comment: This sequence change replaces glutamic acid, which is acidic and polar, with aspartic acid, which is acidic and polar, at codon 520 of the RFT1 protein (p.Glu520Asp). This variant is present in population databases (rs369800703, gnomAD 0.05%). This variant has not been reported in the literature in individuals affected with RFT1-related conditions. ClinVar contains an entry for this variant (Variation ID: 1518097). Advanced modeling of protein sequence and biophysical properties (such as structural, functional, and spatial information, amino acid conservation, physicochemical variation, residue mobility, and thermodynamic stability) performed at Invitae indicates that this missense variant is not expected to disrupt RFT1 protein function. In summary, the available evidence is currently insufficient to determine the role of this variant in disease. Therefore, it has been classified as a Variant of Uncertain Significance.